The following is an entry in ClinVar:

NM_000091.5(COL4A3):c.2008C>T (p.Gln670Ter)

Genes: COL4A3 (collagen type IV alpha 3 chain; plus strand), MFF-DT (MFF divergent transcript; minus strand). Cytogenetic location: 2q36.3.
Variant type: single nucleotide variant.
Coding change: c.2008C>T on transcript NM_000091.5 (MANE Select); coding-DNA position 2008, C replaced by T.
Protein change: p.Gln670Ter; replaces glutamine 670 with a stop codon.
Molecular consequence: nonsense.
Genome position (GRCh38, 1-based): chr2:227,276,465, C>T. VCF-style: chr2-227276465-C-T. GRCh37 (hg19) VCF-style: chr2-228141181-C-T.
Other names: short protein forms Q670*.
Identifiers: ClinVar variation 3586038 (VCV003586038.5).
Genomic context (GRCh38, chr2:227,276,465, plus strand): 5'-GTTTCAACACCAGTTCCAGGCCCACCAGGACCTCCAGGGCCCCCTGGCCATCCTGGCCCC[C>T]AAGGTCCACCTGGTAAGTATCCTCTGCCAAATCTGGTACATGGCATCAGACACACACAAC-3'

ClinVar aggregate classification (germline): Pathogenic/Likely pathogenic. Review status: criteria provided, multiple submitters, no conflicts (2 of 4 stars). 4 submissions from 4 submitters: Pathogenic (1); Likely pathogenic (3). Last evaluated 2025-08-26.

Conditions:
Alport syndrome. Also called: Hemorrhagic familial nephritis; Hemorrhagic hereditary nephritis; Congenital hereditary hematuria. Identifiers: Orphanet 63, MedGen C1567741, MONDO:0018965.
COL4A3-related disorder. Also called: COL4A3-Related Disorders; COL4A3-related condition.
Alport syndrome 3b, autosomal recessive. Identifiers: MedGen C5882699, MONDO:0957811, OMIM 620536.
Autosomal dominant Alport syndrome (ATS3A). Also called: ALPORT SYNDROME 3A, AUTOSOMAL DOMINANT; Alport syndrome dominant type; Renal failure and sensorineural hearing loss. Identifiers: Orphanet 63, Orphanet 88918, MedGen C5882663, MONDO:0007086, OMIM 104200.
Hematuria, benign familial, 2 (BFH2). Identifiers: MedGen C5830421, MONDO:0958186, OMIM 620320.

Submissions (4):

Natera, Inc.
Classification: Likely pathogenic for Alport syndrome. Last evaluated: 2025-08-26. Review status: criteria provided, single submitter. Criteria: Natera Variant Classification Schema (03/2026). Collection method: clinical testing. Allele origin: germline.
Comment: The c.2008C>T variant in COL4A3 is a nonsense variant predicted to introduce a stop codon at amino acid 670. This variant is expected to result in nonsense mediated decay, truncation, or a dysfunctional protein product. This variant is rare in the general population with a frequency below the threshold expected for the associated phenotype(s). Given the available evidence, this variant is classified as Likely Pathogenic.

Victorian Clinical Genetics Services, Murdoch Childrens Research Institute
Classification: Pathogenic for Alport syndrome. Last evaluated: 2025-04-15. Review status: criteria provided, single submitter. Criteria: ACMG Guidelines, 2015. Collection method: clinical testing. Allele origin: germline. Affected: yes.
Comment: This variant is classified as Pathogenic. Evidence in support of pathogenic classification: Variant is predicted to cause nonsense-mediated decay (NMD) and loss of protein (premature termination codon is located at least 54 nucleotides upstream of the final exon-exon junction); Variant is absent from gnomAD (v2, v3 and v4); This variant has limited previous evidence of pathogenicity in an unrelated individual(s).This variant has been classified as likely pathogenic by a clinical laboratory in ClinVar; Other NMD-predicted variant(s) comparable to the one identified in this case have very strong previous evidence for pathogenicity (DECIPHER). Additional information: This variant is heterozygous; This gene is associated with both recessive and dominant Alport syndrome (MONDO:0018965), COL4A3-related; Dominant negative and loss of function are known mechanisms of disease in this gene and are associated with Alport syndrome (MONDO:0018965), COL4A3-related. Glycine changes that are part of a G-X-Y repeat in the triple helix of a collagen domain are known to have a dominant negative effect (PMID: 12028435); Inheritance information for this variant is not currently available in this individual.

Fulgent Genetics
Classification: Likely pathogenic for Autosomal dominant Alport syndrome; Hematuria, benign familial, 2; Alport syndrome 3b, autosomal recessive. Last evaluated: 2024-06-03. Review status: criteria provided, single submitter. Criteria: ACMG Guidelines, 2015. Collection method: clinical testing. Allele origin: germline.

Blueprint Genetics
Classification: Likely pathogenic for COL4A3-related disorders. Last evaluated: 2022-11-22. Review status: criteria provided, single submitter. Criteria: ACMG Guidelines, 2015. Collection method: clinical testing. Allele origin: germline. Affected: yes. Observed: 1 variant allele.

Literature cited by the submitters: PubMed 12028435 (cited by Victorian Clinical Genetics Services, Murdoch Childrens Research Institute).